The following is an entry in ClinVar:

NM_000135.4(FANCA):c.3392C>T (p.Thr1131Ile)

Genes: FANCA (FA complementation group A; minus strand), LOC132090450 (Neanderthal introgressed variant-containing enhancer experimental_46718; plus strand). Cytogenetic location: 16q24.3.
Variant type: single nucleotide variant.
Coding change: c.3392C>T on transcript NM_000135.4 (MANE Select); coding-DNA position 3392, C replaced by T.
Protein change: p.Thr1131Ile; replaces threonine 1131 with isoleucine.
Molecular consequence: missense variant.
Genome position (GRCh38, 1-based): chr16:89,746,847, G>A on the plus strand (C>T on the coding strand, the complement: FANCA is on the minus strand). VCF-style: chr16-89746847-G-A. GRCh37 (hg19) VCF-style: chr16-89813255-G-A.
Other names: c.3392C>T, p.Thr1131Ile (NM_001286167.3); c.3392C>T (NM_000135.2); short protein forms T1131I.
Identifiers: ClinVar variation 1067764 (VCV001067764.11), dbSNP rs2143109078, ClinGen allele CA397486074.

ClinVar aggregate classification (germline): Conflicting classifications of pathogenicity. Review status: criteria provided, conflicting classifications (1 of 4 stars). 3 submissions from 3 submitters: Likely pathogenic (1); Uncertain significance (2). Last evaluated 2024-05-13.

Conditions:
Fanconi anemia (FA). Also called: Fanconi's anemia. Identifiers: Orphanet 84, MedGen C0015625, MeSH D005199, MONDO:0019391.
Fanconi anemia complementation group A (FANCA). Also called: FANCA-Related Fanconi Anemia; Fanconi anemia, group A. Identifiers: Orphanet 84, MedGen C3469521, MONDO:0009215, OMIM 227650.

Allele frequency attached by ClinVar (database versions not stated): gnomAD exomes below 0.00001.
gnomAD v4.1: 1 of 1,563,376 alleles (0.000064%); highest among the groups gnomAD compares: Non-Finnish European, 0.000087%; no homozygotes.

Submissions (3):

Fulgent Genetics
Classification: Uncertain significance for Fanconi anemia complementation group A. Last evaluated: 2024-05-13. Review status: criteria provided, single submitter. Criteria: ACMG Guidelines, 2015. Collection method: clinical testing. Allele origin: germline.

Labcorp Genetics (formerly Invitae), Labcorp
Classification: Likely pathogenic for Fanconi anemia. Last evaluated: 2023-12-13. Review status: criteria provided, single submitter. Criteria: Invitae Variant Classification Sherloc (09022015). Collection method: clinical testing. Allele origin: germline.
Comment: This sequence change replaces threonine, which is neutral and polar, with isoleucine, which is neutral and non-polar, at codon 1131 of the FANCA protein (p.Thr1131Ile). This variant is not present in population databases (gnomAD no frequency). This variant has not been reported in the literature in individuals affected with FANCA-related conditions. ClinVar contains an entry for this variant (Variation ID: 1067764). Algorithms developed to predict the effect of missense changes on protein structure and function output the following: SIFT: "Not Available"; PolyPhen-2: "Possibly Damaging"; Align-GVGD: "Not Available". The isoleucine amino acid residue is found in multiple mammalian species, which suggests that this missense change does not adversely affect protein function. This variant disrupts the p.Thr1131 amino acid residue in FANCA. Other variant(s) that disrupt this residue have been determined to be pathogenic (PMID: 1792455, 9371798, 12444097, 15643609, 19278965, 19367192, 22778927). This suggests that this residue is clinically significant, and that variants that disrupt this residue are likely to be disease-causing. In summary, the currently available evidence indicates that the variant is pathogenic, but additional data are needed to prove that conclusively. Therefore, this variant has been classified as Likely Pathogenic.

GeneDx
Classification: Uncertain significance. Last evaluated: 2023-04-05. Review status: criteria provided, single submitter. Criteria: GeneDx Variant Classification Process June 2021. Collection method: clinical testing. Allele origin: germline. Affected: yes.
Comment: In silico analysis supports that this missense variant has a deleterious effect on protein structure/function; Not observed at significant frequency in large population cohorts (gnomAD); Has not been previously published as pathogenic or benign to our knowledge

Literature cited by the submitters: PubMed 1792455 (cited by Labcorp Genetics (formerly Invitae), Labcorp); PubMed 9371798 (cited by Labcorp Genetics (formerly Invitae), Labcorp); PubMed 12444097 (cited by Labcorp Genetics (formerly Invitae), Labcorp); PubMed 15643609 (cited by Labcorp Genetics (formerly Invitae), Labcorp); PubMed 19278965 (cited by Labcorp Genetics (formerly Invitae), Labcorp); PubMed 19367192 (cited by Labcorp Genetics (formerly Invitae), Labcorp); PubMed 22778927 (cited by Labcorp Genetics (formerly Invitae), Labcorp).